The following is an entry in ClinVar:

NM_153460.4(IL17RC):c.1889T>C (p.Val630Ala)

Gene: IL17RC (interleukin 17 receptor C; plus strand). Cytogenetic location: 3p25.3.
Variant type: single nucleotide variant.
Coding change: c.1889T>C on transcript NM_153460.4 (MANE Select); coding-DNA position 1889, T replaced by C.
Protein change: p.Val630Ala; replaces valine 630 with alanine.
Molecular consequence: missense variant. On other transcripts: non-coding transcript variant (1).
Genome position (GRCh38, 1-based): chr3:9,933,319, T>C. VCF-style: chr3-9933319-T-C. GRCh37 (hg19) VCF-style: chr3-9975003-T-C.
Other names: c.1850T>C, p.Val617Ala (NM_001203263.2); c.1799T>C, p.Val600Ala (NM_001203264.2); c.1793T>C, p.Val598Ala (NM_001203265.2); c.1811T>C, p.Val604Ala (NM_001367278.1); c.1730T>C, p.Val577Ala (NM_001367279.1); c.1805T>C, p.Val602Ala (NM_001367280.1); c.1754T>C, p.Val585Ala (NM_001410711.1); c.1844T>C, p.Val615Ala (NM_032732.6); and 1 more; short protein forms V585A, V598A, V600A, V630A, V604A, V701A, V602A, V615A.
Identifiers: ClinVar variation 3002026 (VCV003002026.3), dbSNP rs551190813, ClinGen allele CA2247441.

ClinVar aggregate classification (germline): Uncertain significance (1 of 4 stars; one submission).

Conditions:
Candidiasis, familial, 9 (CANDF9). Identifiers: Orphanet 1334, MedGen C4225324, MONDO:0014642, OMIM 616445.

Allele frequency attached by ClinVar (database versions not stated): gnomAD exomes below 0.00001; TOPMed below 0.00001; ExAC 0.00001; gnomAD 0.00006.
gnomAD v4.1: 16 of 1,607,854 alleles (0.001%); highest among the groups gnomAD compares: East Asian, 0.025%; 2 homozygotes.

Submission:

Labcorp Genetics (formerly Invitae), Labcorp
Classification: Uncertain significance for Candidiasis, familial, 9. Last evaluated: 2025-03-31. Review status: criteria provided, single submitter. Criteria: Invitae Variant Classification Sherloc (09022015). Collection method: clinical testing. Allele origin: germline.
Comment: This sequence change replaces valine, which is neutral and non-polar, with alanine, which is neutral and non-polar, at codon 701 of the IL17RC protein (p.Val701Ala). The frequency data for this variant in the population databases is considered unreliable, as metrics indicate poor data quality at this position in the gnomAD database. This variant has not been reported in the literature in individuals affected with IL17RC-related conditions. ClinVar contains an entry for this variant (Variation ID: 3002026). An algorithm developed to predict the effect of missense changes on protein structure and function (PolyPhen-2) suggests that this variant is likely to be disruptive. In summary, the available evidence is currently insufficient to determine the role of this variant in disease. Therefore, it has been classified as a Variant of Uncertain Significance.